The following is an entry in ClinVar:

NM_004733.4(SLC33A1):c.1041A>G (p.Leu347=)

Gene: SLC33A1 (solute carrier family 33 member 1; minus strand). Cytogenetic location: 3q25.31.
Variant type: single nucleotide variant.
Coding change: c.1041A>G on transcript NM_004733.4 (MANE Select); coding-DNA position 1041, A replaced by G.
Protein change: p.Leu347=; no amino-acid change (leucine 347 retained).
Molecular consequence: synonymous variant. On other transcripts: missense variant (1).
Genome position (GRCh38, 1-based): chr3:155,833,964, T>C on the plus strand (A>G on the coding strand, the complement: SLC33A1 is on the minus strand). VCF-style: chr3-155833964-T-C. GRCh37 (hg19) VCF-style: chr3-155551753-T-C.
Other names: c.1041A>G, p.Leu347= (NM_001190992.2); c.853A>G, p.Ile285Val (NM_001363883.1); short protein forms I285V.
Identifiers: ClinVar variation 2633971 (VCV002633971.2), dbSNP rs2472953740, ClinGen allele CA436447523.
Genomic context (GRCh38, chr3:155,833,964, plus strand): 5'-AGTGTATTTGCTGATAATCAGAGGCAGTATTATCTGCAAAGGAACCATTGGAACTGCCAA[T>C]AAGGCTAAATGTTCTTTGGGTACTCCCTCTTCTACCAATTTCAGTCCTGTTACAGCATCT-3'
Protein context (NP_004724.1, residues 337-357): EEGVPKEHLA[Leu347=]LAVPMVPLQI

ClinVar aggregate classification (germline): Conflicting classifications of pathogenicity. Review status: criteria provided, conflicting classifications (1 of 4 stars). 2 submissions from 2 submitters: Uncertain significance (1); Likely benign (1). Last evaluated 2025-04-14.

Conditions:
Spastic paraplegia. Identifiers: MedGen C0037772, HP:0001258.
SLC33A1-related disorder. Also called: SLC33A1-related condition.

Submissions (2):

Labcorp Genetics (formerly Invitae), Labcorp
Classification: Likely benign for Spastic paraplegia. Last evaluated: 2025-04-14. Review status: criteria provided, single submitter. Criteria: Invitae Variant Classification Sherloc (09022015). Collection method: clinical testing. Allele origin: germline.

PreventionGenetics, part of Exact Sciences
Classification: Uncertain significance for SLC33A1-related condition. Last evaluated: 2023-10-11. Review status: criteria provided, single submitter. Criteria: ACMG Guidelines, 2015. Collection method: clinical testing. Allele origin: germline.
Comment: The SLC33A1 c.853A>G variant is predicted to result in the amino acid substitution p.Ile285Val. To our knowledge, this variant has not been reported in the literature or in a large population database, indicating this variant is rare. At this time, the clinical significance of this variant is uncertain due to the absence of conclusive functional and genetic evidence.